The following is an entry in ClinVar:

NM_001080442.3(SLC38A8):c.697G>T (p.Glu233Ter)

Gene: SLC38A8 (solute carrier family 38 member 8; minus strand). Cytogenetic location: 16q23.3.
Variant type: single nucleotide variant.
Coding change: c.697G>T on transcript NM_001080442.3 (MANE Select); coding-DNA position 697, G replaced by T.
Protein change: p.Glu233Ter; replaces glutamic acid 233 with a stop codon.
Molecular consequence: nonsense.
Genome position (GRCh38, 1-based): chr16:84,022,883, C>A on the plus strand (G>T on the coding strand, the complement: SLC38A8 is on the minus strand). VCF-style: chr16-84022883-C-A. GRCh37 (hg19) VCF-style: chr16-84056488-C-A.
Other names: c.697G>T (NM_001080442.2); short protein forms E233*.
Identifiers: ClinVar variation 2707672 (VCV002707672.4), dbSNP rs372929441, ClinGen allele CA8200041.

ClinVar aggregate classification (germline): Pathogenic/Likely pathogenic. Review status: criteria provided, multiple submitters, no conflicts (2 of 4 stars). 2 submissions from 2 submitters: Pathogenic (1); Likely pathogenic (1). Last evaluated 2025-06-07.

Allele frequency attached by ClinVar (database versions not stated): ESP Exome Variant Server 0.00008.

Submissions (2):

GeneDx
Classification: Likely pathogenic. Last evaluated: 2025-06-07. Review status: criteria provided, single submitter. Criteria: GeneDx Variant Classification Process June 2021. Collection method: clinical testing. Allele origin: germline. Affected: yes.
Comment: Reported previously in an unaffected carrier; however, no further information was provided (PMID: 31964843); Nonsense variant predicted to result in protein truncation or nonsense mediated decay in a gene for which loss of function is a known mechanism of disease; Not observed at significant frequency in large population cohorts (gnomAD); This variant is associated with the following publications: (PMID: 31964843)

Labcorp Genetics (formerly Invitae), Labcorp
Classification: Pathogenic. Last evaluated: 2023-09-28. Review status: criteria provided, single submitter. Criteria: Invitae Variant Classification Sherloc (09022015). Collection method: clinical testing. Allele origin: germline.
Comment: For these reasons, this variant has been classified as Pathogenic. This sequence change creates a premature translational stop signal (p.Glu233*) in the SLC38A8 gene. It is expected to result in an absent or disrupted protein product. Loss-of-function variants in SLC38A8 are known to be pathogenic (PMID: 24290379). This variant is present in population databases (rs372929441, gnomAD 0.002%). This variant has not been reported in the literature in individuals affected with SLC38A8-related conditions. Algorithms developed to predict the effect of sequence changes on RNA splicing suggest that this variant may disrupt the consensus splice site.

Literature cited by the submitters: PubMed 24290379 (cited by Labcorp Genetics (formerly Invitae), Labcorp).